The following is an entry in ClinVar:

ClinVar aggregate classification (germline): Uncertain significance (1 of 4 stars; one submission).

Conditions:
Inborn genetic diseases. Identifiers: MedGen C0950123, MeSH D030342.

Submission:

Ambry Genetics
Classification: Uncertain significance for Inborn genetic diseases. Last evaluated: 2025-03-29. Review status: criteria provided, single submitter. Criteria: Ambry Variant Classification Scheme 2023. Collection method: clinical testing. Allele origin: germline.
Comment: The p.P1431R variant (also known as c.4292C>G), located in coding exon 13 of the ASXL1 gene, results from a C to G substitution at nucleotide position 4292. The proline at codon 1431 is replaced by arginine, an amino acid with dissimilar properties. This amino acid position is conserved. In addition, this alteration is predicted to be tolerated by in silico analysis. Based on the available evidence, the clinical significance of this variant remains unclear.

NM_015338.6(ASXL1):c.4292C>G (p.Pro1431Arg)

Gene: ASXL1 (ASXL transcriptional regulator 1; plus strand). Cytogenetic location: 20q11.21.
Variant type: single nucleotide variant.
Coding change: c.4292C>G on transcript NM_015338.6 (MANE Select); coding-DNA position 4292, C replaced by G.
Protein change: p.Pro1431Arg; replaces proline 1431 with arginine.
Molecular consequence: missense variant.
Genome position (GRCh38, 1-based): chr20:32,437,004, C>G. VCF-style: chr20-32437004-C-G. GRCh37 (hg19) VCF-style: chr20-31024807-C-G.
Other names: c.4109C>G, p.Pro1370Arg (NM_001363734.1); short protein forms P1370R, P1431R.
Identifiers: ClinVar variation 3955436 (VCV003955436.1).
Genomic context (GRCh38, chr20:32,437,004, plus strand): 5'-GGAAATTACCCCGAGAGCCAGGGAAGGGGCTCAGTGAGCCTCTGGAGCCTTCTTCTCTCC[C>G]CTCCCAACTCAGCATCAAGCAGGCATTTTATGGGAAGCTTTCTAAACTCCAACTGAGTTC-3'
Protein context (NP_056153.2, residues 1421-1441): LSEPLEPSSL[Pro1431Arg]SQLSIKQAFY